The following is an entry in ClinVar:

ClinVar aggregate classification (germline): Uncertain significance (1 of 4 stars; one submission).

Submission:

GeneDx
Classification: Uncertain significance. Last evaluated: 2018-06-25. Review status: criteria provided, single submitter. Criteria: GeneDx Variant Classification (06012015). Collection method: clinical testing. Allele origin: germline. Affected: yes.
Comment: A variant of uncertain significance has been identified in the NF1 gene. The c.479+6T>C variant has not been published as a pathogenic variant, nor has it been reported as a benign variant to our knowledge. The c.479+6T>C variant is not observed in large population cohorts (Lek et al., 2016). Several in-silico splice prediction models are inconsistent in their assessment as to whether or not the variant is damaging. In the absence of RNA/functional studies, the actual effect of this sequence change in this individual is unknown.Therefore, based on the currently available information, it is unclear whether this variant is a pathogenic variant or a rare benign variant.

NM_001042492.3(NF1):c.479+6T>C

Gene: NF1 (neurofibromin 1; plus strand). Cytogenetic location: 17q11.2.
Variant type: single nucleotide variant.
Coding change: c.479+6T>C on transcript NM_001042492.3 (MANE Select); 6 bases into the intron after coding-DNA position 479, T replaced by C.
Molecular consequence: intron variant.
Genome position (GRCh38, 1-based): chr17:31,163,382, T>C. VCF-style: chr17-31163382-T-C. GRCh37 (hg19) VCF-style: chr17-29490400-T-C.
Other names: c.479+6T>C (NM_000267.4, NM_001128147.3).
Identifiers: ClinVar variation 561945 (VCV000561945.1), dbSNP rs1567818036, ClinGen allele CA658824893.
Genomic context (GRCh38, chr17:31,163,382, plus strand): 5'-TATTTTCTCTCAGCTGCAACAACTTCAATGCAGTCTTTAGTCGCATTTCTACCAGGTTAG[T>C]GTGTAAATCCACATGGGACTACTGAAGTAATATGAATATTAGAAGTTTTGTTTTTTGTCT-3'